The following is an entry in ClinVar:

NM_001903.5(CTNNA1):c.1932_1953dup (p.Ser652delinsAspArgArgPheTer)

Gene: CTNNA1 (catenin alpha 1; plus strand). Cytogenetic location: 5q31.2.
Variant type: Duplication.
Coding change: c.1932_1953dup on transcript NM_001903.5 (MANE Select); coding-DNA positions 1932 to 1953, 22 bases duplicated (GACAGAAGATTTTGATGTCAGA).
Protein change: p.Ser652delinsAspArgArgPheTer.
Molecular consequence: nonsense.
Genome position (GRCh38, 1-based): chr5:138,929,278-138,929,299, GACAGAAGATTTTGATGTCAGA duplicated; duplicating any 22 consecutive bases within chr5:138,929,276-138,929,299 gives the same sequence; the c. name uses the placement nearest the transcript's 3' end. VCF-style (leftmost placement, unchanged base first): chr5-138929275-T-TGAGACAGAAGATTTTGATGTCA. GRCh37 (hg19) VCF-style: chr5-138264964-T-TGAGACAGAAGATTTTGATGTCA.
Other names: c.1932_1953dup, p.Ser652delinsAspArgArgPheTer (NM_001290307.3, NM_001323982.2, NM_001323983.1 and 2 more transcripts); c.1623_1644dup, p.Ser549delinsAspArgArgPheTer (NM_001290309.3); c.1563_1584dup, p.Ser529delinsAspArgArgPheTer (NM_001290310.3); c.822_843dup, p.Ser282delinsAspArgArgPheTer (NM_001290312.1, NM_001323987.1, NM_001323988.1 and 17 more transcripts); c.1839_1860dup, p.Ser621delinsAspArgArgPheTer (NM_001323986.2); c.483_504dup, p.Ser169delinsAspArgArgPheTer (NM_001324006.1, NM_001324007.1, NM_001324008.1 and 2 more transcripts); c.729_750dup, p.Ser251delinsAspArgArgPheTer (NM_001324011.1); c.579_600dup, p.Ser201delinsAspArgArgPheTer (NM_001324012.1, NM_001324013.1); and 1 more.
Identifiers: ClinVar variation 3904717 (VCV003904717.2).

ClinVar aggregate classification (germline): Pathogenic. Review status: criteria provided, multiple submitters, no conflicts (2 of 4 stars). 2 submissions from 2 submitters: Pathogenic (2). Last evaluated 2025-08-25.

Conditions:
Hereditary cancer-predisposing syndrome. Also called: Tumor predisposition; Neoplastic Syndromes, Hereditary; Hereditary Cancer Syndrome; Hereditary neoplastic syndrome. Identifiers: Orphanet 140162, MedGen C0027672, MeSH D009386, MONDO:0015356.
Hereditary diffuse gastric adenocarcinoma (HDGC). Also called: DIFFUSE GASTRIC AND LOBULAR BREAST CANCER SYNDROME. Identifiers: Orphanet 26106, MedGen C1708349, MONDO:0007648, OMIM 137215.

Submissions (2):

Ambry Genetics
Classification: Pathogenic for Hereditary cancer-predisposing syndrome. Last evaluated: 2025-08-25. Review status: criteria provided, single submitter. Criteria: Ambry Variant Classification Scheme 2023. Collection method: clinical testing. Allele origin: germline.
Comment: The c.1932_1953dup22 variant, located in coding exon 13 of the CTNNA1 gene, results from a duplication of GACAGAAGATTTTGATGTCAGA at nucleotide position 1932, causing a translational frameshift with a predicted alternate stop codon (p.S652Dfs*5). This variant is considered to be rare based on population cohorts in the Genome Aggregation Database (gnomAD). This alteration is expected to result in loss of function by premature protein truncation or nonsense-mediated mRNA decay. As such, this alteration is interpreted as a disease-causing mutation.

Myriad Genetics, Inc.
Classification: Pathogenic for Hereditary diffuse gastric adenocarcinoma. Last evaluated: 2025-02-06. Review status: criteria provided, single submitter. Criteria: Myriad Autosomal Dominant, Autosomal Recessive and X-Linked Classification Criteria (2023). Collection method: clinical testing. Allele origin: unknown.
Comment: This variant is considered pathogenic. This variant creates a frameshift predicted to result in premature protein truncation.